The following is an entry in ClinVar:

NM_000089.4(COL1A2):c.512C>T (p.Pro171Leu)

Gene: COL1A2 (collagen type I alpha 2 chain; plus strand). Cytogenetic location: 7q21.3.
Variant type: single nucleotide variant.
Coding change: c.512C>T on transcript NM_000089.4 (MANE Select); coding-DNA position 512, C replaced by T.
Protein change: p.Pro171Leu; replaces proline 171 with leucine.
Molecular consequence: missense variant.
Genome position (GRCh38, 1-based): chr7:94,405,698, C>T. VCF-style: chr7-94405698-C-T. GRCh37 (hg19) VCF-style: chr7-94035010-C-T.
Other names: short protein forms P171L.
Identifiers: ClinVar variation 3268608 (VCV003268608.1).

ClinVar aggregate classification (germline): Uncertain significance (1 of 4 stars; one submission).

Conditions:
Cardiovascular phenotype. Identifiers: MedGen CN230736.

Submission:

Ambry Genetics
Classification: Uncertain significance for Cardiovascular phenotype. Last evaluated: 2024-04-08. Review status: criteria provided, single submitter. Criteria: Ambry Variant Classification Scheme 2023. Collection method: clinical testing. Allele origin: germline.
Comment: The p.P171L variant (also known as c.512C>T), located in coding exon 11 of the COL1A2 gene, results from a C to T substitution at nucleotide position 512. The proline at codon 171 is replaced by leucine, an amino acid with similar properties. This amino acid position is highly conserved in available vertebrate species. In addition, this alteration is predicted to be deleterious by in silico analysis. Based on the available evidence, the clinical significance of this variant remains unclear.